The following is an entry in ClinVar:

ClinVar aggregate classification (germline): Likely benign. Review status: criteria provided, multiple submitters, no conflicts (2 of 4 stars). 2 submissions from 2 submitters: Likely benign (2). Last evaluated 2024-04-01.

Conditions:
Inborn genetic diseases. Identifiers: MedGen C0950123, MeSH D030342.

Submissions (2):

CeGaT Center for Human Genetics Tuebingen
Classification: Likely benign. Last evaluated: 2024-04-01. Review status: criteria provided, single submitter. Criteria: CeGaT Center For Human Genetics Tuebingen Variant Classification Criteria Version 2. Collection method: clinical testing. Allele origin: germline. Affected: yes. Observed: 2 variant alleles.
Comment: SETD1A: BS1

Ambry Genetics
Classification: Likely benign for Inborn genetic diseases. Last evaluated: 2022-04-25. Review status: criteria provided, single submitter. Criteria: Ambry Variant Classification Scheme 2023. Collection method: clinical testing. Allele origin: germline.

NM_014712.3(SETD1A):c.4094GGGAGGAAGAGG[1] (p.1361GEEE[2])

Gene: SETD1A (SET domain containing 1A, histone lysine methyltransferase; plus strand). Cytogenetic location: 16p11.2.
Variant type: Microsatellite.
Coding change: c.4094GGGAGGAAGAGG[1] on transcript NM_014712.3 (MANE Select); one copy of the 12-base unit GGGAGGAAGAGG starting at c.4094; the reference has two copies in a row; one copy, 12 bases deleted.
Protein change: p.1361GEEE[2].
Molecular consequence: inframe deletion.
Genome position (GRCh38, 1-based): chr16:30,979,892-30,979,903, GGGAGGAAGAGG deleted; deleting any 12 consecutive bases within chr16:30,979,876-30,979,903 gives the same sequence; the position shown is the placement nearest the transcript's 3' end. VCF-style (leftmost placement, unchanged base first): chr16-30979875-GGAGGGGGAGGAA-G. GRCh37 (hg19) VCF-style: chr16-30991196-GGAGGGGGAGGAA-G.
Identifiers: ClinVar variation 2350521 (VCV002350521.26), dbSNP rs770228922, ClinGen allele CA8017451.